The following is an entry in ClinVar:

NM_006545.5(NPRL2):c.59G>A (p.Gly20Glu)

Gene: NPRL2 (NPR2 like, GATOR1 complex subunit; minus strand). Cytogenetic location: 3p21.31.
Variant type: single nucleotide variant.
Coding change: c.59G>A on transcript NM_006545.5 (MANE Select); coding-DNA position 59, G replaced by A.
Protein change: p.Gly20Glu; replaces glycine 20 with glutamic acid.
Molecular consequence: missense variant.
Genome position (GRCh38, 1-based): chr3:50,350,594, C>T on the plus strand (G>A on the coding strand, the complement: NPRL2 is on the minus strand). VCF-style: chr3-50350594-C-T. GRCh37 (hg19) VCF-style: chr3-50388025-C-T.
Other names: short protein forms G20E.
Identifiers: ClinVar variation 4056323 (VCV004056323.1).

ClinVar aggregate classification (germline): Uncertain significance (1 of 4 stars; one submission).

Conditions:
Epilepsy, familial focal, with variable foci 2 (FFEVF2). Identifiers: MedGen C4310709, MONDO:0014924, OMIM 617116.

Submission:

Institute of Human Genetics, University of Leipzig Medical Center
Classification: Uncertain significance for Epilepsy, familial focal, with variable foci 2. Last evaluated: 2025-06-05. Review status: criteria provided, single submitter. Criteria: ACMG Guidelines, 2015. Collection method: clinical testing. Allele origin: unknown. Inheritance: Autosomal dominant inheritance. Affected: yes.
Comment: Criteria applied: PM2,PP2,PP3